The following is an entry in ClinVar:

NM_001081.4(CUBN):c.10363-3A>G

Gene: CUBN (cubilin; minus strand). Cytogenetic location: 10p13.
Variant type: single nucleotide variant.
Coding change: c.10363-3A>G on transcript NM_001081.4 (MANE Select); 3 bases into the intron before coding-DNA position 10363, A replaced by G.
Molecular consequence: intron variant.
Genome position (GRCh38, 1-based): chr10:16,831,420, T>C on the plus strand (A>G on the coding strand, the complement: CUBN is on the minus strand). VCF-style: chr10-16831420-T-C. GRCh37 (hg19) VCF-style: chr10-16873419-T-C.
Identifiers: ClinVar variation 299361 (VCV000299361.13), dbSNP rs765943248, ClinGen allele CA5422388.

ClinVar aggregate classification (germline): Uncertain significance. Review status: criteria provided, multiple submitters, no conflicts (2 of 4 stars). 4 submissions from 4 submitters: Uncertain significance (4). Last evaluated 2026-06-12.

Conditions:
Proteinuria, chronic benign. Identifiers: MedGen C5394384, MONDO:0030042, OMIM 618884.
Imerslund-Grasbeck syndrome type 1 (IGS1). Also called: Megaloblastic anemia 1, Finnish type; MEGALOBLASTIC ANEMIA, 1; Imerslund-Gräsbeck syndrome 1. Identifiers: MedGen C4016819, MONDO:0100156, OMIM 261100.
Imerslund-Grasbeck syndrome. Also called: ENTEROCYTE COBALAMIN MALABSORPTION; ENTEROCYTE INTRINSIC FACTOR RECEPTOR, DEFECT OF; PERNICIOUS ANEMIA, JUVENILE, DUE TO SELECTIVE INTESTINAL MALABSORPTION OF VITAMIN B12, WITH PROTEINURIA; Megaloblastic anemia due to inborn errors of metabolism; Imerslund-Gräsbeck syndrome. Identifiers: Orphanet 35858, MedGen C4551825, MONDO:0009853.

Allele frequency attached by ClinVar (database versions not stated): ExAC 0.00002; gnomAD exomes 0.00002 and 0.00003; gnomAD 0.00004 and 0.00005; TOPMed 0.00005.
gnomAD v4.1: 55 of 1,612,714 alleles (0.0034%); highest among the groups gnomAD compares: Middle Eastern, 0.017%; no homozygotes.

Submissions (4):

GeneDx
Classification: Uncertain significance. Last evaluated: 2026-06-12. Review status: criteria provided, single submitter. Criteria: GeneDx Variant Classification Process June 2021. Collection method: clinical testing. Allele origin: germline.
Comment: Observed with a second variant in CUBN in siblings with proteinuria without megaloblastic anemia (PMID: Gillion2023[CaseReport]); Not observed at significant frequency in large population cohorts (gnomAD); In silico analysis supports a deleterious effect on splicing; This variant is associated with the following publications: (PMID: Gillion2023[CaseReport])

Labcorp Genetics (formerly Invitae), Labcorp
Classification: Uncertain significance for Imerslund-Grasbeck syndrome. Last evaluated: 2024-11-07. Review status: criteria provided, single submitter. Criteria: Invitae Variant Classification Sherloc (09022015). Collection method: clinical testing. Allele origin: germline.
Comment: This sequence change falls in intron 64 of the CUBN gene. It does not directly change the encoded amino acid sequence of the CUBN protein. It affects a nucleotide within the consensus splice site. This variant is present in population databases (rs765943248, gnomAD 0.005%). This variant has not been reported in the literature in individuals affected with CUBN-related conditions. ClinVar contains an entry for this variant (Variation ID: 299361). Variants that disrupt the consensus splice site are a relatively common cause of aberrant splicing (PMID: 17576681, 9536098). Algorithms developed to predict the effect of sequence changes on RNA splicing suggest that this variant may disrupt the consensus splice site. In summary, the available evidence is currently insufficient to determine the role of this variant in disease. Therefore, it has been classified as a Variant of Uncertain Significance.

Fulgent Genetics
Classification: Uncertain significance for Imerslund-Grasbeck syndrome type 1; Proteinuria, chronic benign. Last evaluated: 2022-03-30. Review status: criteria provided, single submitter. Criteria: ACMG Guidelines, 2015. Collection method: clinical testing. Allele origin: unknown.

Illumina Laboratory Services, Illumina
Classification: Uncertain significance for Imerslund-Grasbeck syndrome type 1. Last evaluated: 2018-01-13. Review status: criteria provided, single submitter. Criteria: ICSL Variant Classification Criteria 13 December 2019. Collection method: clinical testing. Allele origin: germline.

Literature cited by the submitters: PubMed 17576681 (cited by Labcorp Genetics (formerly Invitae), Labcorp); PubMed 9536098 (cited by Labcorp Genetics (formerly Invitae), Labcorp).